The following is an entry in ClinVar:

NM_001267550.2(TTN):c.55513G>A (p.Asp18505Asn)

Genes: TTN-AS1 (TTN antisense RNA 1; plus strand), TTN (titin; minus strand). Cytogenetic location: 2q31.2.
Variant type: single nucleotide variant.
Coding change: c.55513G>A on transcript NM_001267550.2 (MANE Select); coding-DNA position 55513, G replaced by A.
Protein change: p.Asp18505Asn; replaces aspartic acid 18505 with asparagine.
Molecular consequence: missense variant.
Genome position (GRCh38, 1-based): chr2:178,601,484, C>T on the plus strand (G>A on the coding strand, the complement: TTN is on the minus strand). VCF-style: chr2-178601484-C-T. GRCh37 (hg19) VCF-style: chr2-179466211-C-T.
Other names: c.50590G>A, p.Asp16864Asn (NM_001256850.1); c.28318G>A, p.Asp9440Asn (NM_003319.4); c.47809G>A, p.Asp15937Asn (NM_133378.4); c.28693G>A, p.Asp9565Asn (NM_133432.3); c.28894G>A, p.Asp9632Asn (NM_133437.4); short protein forms D18505N, D15937N, D9565N, D9632N, D16864N, D9440N.
Identifiers: ClinVar variation 195794 (VCV000195794.16), dbSNP rs563090275, ClinGen allele CA242390.

ClinVar aggregate classification (germline): Uncertain significance. Review status: criteria provided, multiple submitters, no conflicts (2 of 4 stars). 3 submissions from 3 submitters: Uncertain significance (3). Last evaluated 2025-08-01.

Allele frequency attached by ClinVar (database versions not stated): ExAC 0.00001; gnomAD 0.00001; gnomAD exomes 0.00001 and 0.00002; TOPMed 0.00001; 1000 Genomes Project 30x 0.00016; 1000 Genomes Project 0.00020.
gnomAD v4.1: 10 of 1,612,984 alleles (0.00062%); highest among the groups gnomAD compares: Admixed American, 0.005%; no homozygotes.

Submissions (3):

CeGaT Center for Human Genetics Tuebingen
Classification: Uncertain significance. Last evaluated: 2025-08-01. Review status: criteria provided, single submitter. Criteria: CeGaT Center For Human Genetics Tuebingen Variant Classification Criteria Version 2. Collection method: clinical testing. Allele origin: germline. Affected: yes. Observed: 1 variant allele.
Comment: TTN: PM2:Supporting, BP4

Revvity Omics, Revvity
Classification: Uncertain significance. Last evaluated: 2019-06-28. Review status: criteria provided, single submitter. Criteria: ACMG Guidelines, 2015. Collection method: clinical testing. Allele origin: germline.

Eurofins Ntd Llc (ga)
Classification: Uncertain significance. Last evaluated: 2014-07-04. Review status: criteria provided, single submitter. Criteria: EGL Classification Definitions 2015. Collection method: clinical testing. Allele origin: germline. Observed: 1 variant allele, 1 heterozygote.